The following is an entry in ClinVar:

NM_206933.4(USH2A):c.1840+9C>T

Gene: USH2A (usherin; minus strand). Cytogenetic location: 1q41.
Variant type: single nucleotide variant.
Coding change: c.1840+9C>T on transcript NM_206933.4 (MANE Select); 9 bases into the intron after coding-DNA position 1840, C replaced by T.
Molecular consequence: intron variant.
Genome position (GRCh38, 1-based): chr1:216,292,166, G>A on the plus strand (C>T on the coding strand, the complement: USH2A is on the minus strand). VCF-style: chr1-216292166-G-A. GRCh37 (hg19) VCF-style: chr1-216465508-G-A.
Other names: c.1840+9C>T (NM_007123.6).
Identifiers: ClinVar variation 793311 (VCV000793311.13), dbSNP rs1452138200, ClinGen allele CA529004270.

ClinVar aggregate classification (germline): Likely benign. Review status: criteria provided, multiple submitters, no conflicts (2 of 4 stars). 5 submissions from 4 submitters: Likely benign (5). Last evaluated 2026-01-21.

Conditions:
Usher syndrome type 2A. Also called: RETINAL DISEASE IN USHER SYNDROME TYPE IIA, MODIFIER OF; USHER SYNDROME, TYPE IIA. Identifiers: Orphanet 231178, Orphanet 886, MedGen C1848634, MONDO:0010169, OMIM 276901.
Retinitis pigmentosa 39 (RP39). Identifiers: Orphanet 791, MedGen C3151138, MONDO:0013436, OMIM 613809.

Allele frequency attached by ClinVar (database versions not stated): gnomAD exomes below 0.00001 and 0.00003; TOPMed 0.00002; gnomAD 0.00003 and 0.00004.
gnomAD v4.1: 48 of 1,613,704 alleles (0.003%); highest among the groups gnomAD compares: Non-Finnish European, 0.0038%; no homozygotes.

Submissions (5):

Labcorp Genetics (formerly Invitae), Labcorp
Classification: Likely benign. Last evaluated: 2026-01-21. Review status: criteria provided, single submitter. Criteria: Invitae Variant Classification Sherloc (09022015). Collection method: clinical testing. Allele origin: germline.

Blueprint Genetics
Classification: Likely benign. Last evaluated: 2024-07-15. Review status: criteria provided, single submitter. Criteria: ACMG Guidelines, 2015. Collection method: clinical testing. Allele origin: germline.

Women's Health and Genetics/Laboratory Corporation of America, LabCorp
Classification: Likely benign. Last evaluated: 2023-10-19. Review status: criteria provided, single submitter. Criteria: LabCorp Variant Classification Summary - May 2015. Collection method: clinical testing. Allele origin: germline.
Comment: Variant summary: USH2A c.1840+9C>T alters a nucleotide located at a position not widely known to affect splicing. Consensus agreement among computation tools predict no significant impact on normal splicing. However, these predictions have yet to be confirmed by functional studies. The variant allele was found at a frequency of 4e-06 in 251288 control chromosomes (gnomAD). The available data on variant occurrences in the general population are insufficient to allow any conclusion about variant significance. To our knowledge, no occurrence of c.1840+9C>T in individuals affected with Usher Syndrome and no experimental evidence demonstrating its impact on protein function have been reported. One submitter has cited clinical-significance assessments for this variant to ClinVar after 2014 and has classified the variant as likely benign. Based on the evidence outlined above, the variant was classified as likely benign.

Genome-Nilou Lab
Classification: Likely benign for Retinitis pigmentosa 39. Last evaluated: 2023-04-11. Review status: criteria provided, single submitter. Criteria: ACMG Guidelines, 2015. Collection method: clinical testing. Allele origin: germline. Affected: no.

Genome-Nilou Lab
Classification: Likely benign for Usher syndrome type 2A. Last evaluated: 2023-04-11. Review status: criteria provided, single submitter. Criteria: ACMG Guidelines, 2015. Collection method: clinical testing. Allele origin: germline. Affected: no.